The following is an entry in ClinVar:

ClinVar aggregate classification (germline): Uncertain significance (1 of 4 stars; one submission).

Conditions:
Dilated cardiomyopathy 1G (CMD1G). Identifiers: Orphanet 154, MedGen C1858763, MONDO:0011400, OMIM 604145.
Autosomal recessive limb-girdle muscular dystrophy type 2J (LGMDR10). Also called: Limb-girdle muscular dystrophy, type 2J; MUSCULAR DYSTROPHY, LIMB-GIRDLE, AUTOSOMAL RECESSIVE 10. Identifiers: Orphanet 140922, MedGen C1837342, MONDO:0012127, OMIM 608807.

Submission:

Labcorp Genetics (formerly Invitae), Labcorp
Classification: Uncertain significance for Dilated cardiomyopathy 1G; Autosomal recessive limb-girdle muscular dystrophy type 2J. Last evaluated: 2023-12-04. Review status: criteria provided, single submitter. Criteria: Invitae Variant Classification Sherloc (09022015). Collection method: clinical testing. Allele origin: germline.
Comment: This sequence change replaces tryptophan, which is neutral and slightly polar, with arginine, which is basic and polar, at codon 31854 of the TTN protein (p.Trp31854Arg). This variant is not present in population databases (gnomAD no frequency). This variant has not been reported in the literature in individuals affected with TTN-related conditions. Experimental studies and prediction algorithms are not available or were not evaluated, and the functional significance of this variant is currently unknown. This variant is located in the A band of TTN (PMID: 25589632). Variants in this region may be relevant for cardiac or neuromuscular disorders (PMID: 25589632, 23975875). In summary, the available evidence is currently insufficient to determine the role of this variant in disease. Therefore, it has been classified as a Variant of Uncertain Significance.

Literature cited by the submitters: PubMed 25589632; PubMed 23975875.

NM_001267550.2(TTN):c.95560T>C (p.Trp31854Arg)

Genes: TTN-AS1 (TTN antisense RNA 1; plus strand), TTN (titin; minus strand). Cytogenetic location: 2q31.2.
Variant type: single nucleotide variant.
Coding change: c.95560T>C on transcript NM_001267550.2 (MANE Select); coding-DNA position 95560, T replaced by C.
Protein change: p.Trp31854Arg; replaces tryptophan 31854 with arginine.
Molecular consequence: missense variant.
Genome position (GRCh38, 1-based): chr2:178,545,550, A>G on the plus strand (T>C on the coding strand, the complement: TTN is on the minus strand). VCF-style: chr2-178545550-A-G. GRCh37 (hg19) VCF-style: chr2-179410277-A-G.
Other names: c.90637T>C, p.Trp30213Arg (NM_001256850.1); c.68365T>C, p.Trp22789Arg (NM_003319.4); c.87856T>C, p.Trp29286Arg (NM_133378.4); c.68740T>C, p.Trp22914Arg (NM_133432.3); c.68941T>C, p.Trp22981Arg (NM_133437.4); short protein forms W22914R, W22981R, W30213R, W22789R, W29286R, W31854R.
Identifiers: ClinVar variation 2946058 (VCV002946058.3), dbSNP rs760822678, ClinGen allele CA349460353.
Genomic context (GRCh38, chr2:178,545,550, plus strand): 5'-TCAGGCTGGTCACCTTCAGCCTGGTATCATACACCACATAGTCTTTGTTGACACGTGTCC[A>G]GCGCAGGCTCTTCTTCTCACGTTTGTCTACTAGGTAGTTGCTGATTTCATTGCCACCATC-3'
Protein context (NP_001254479.2, residues 31844-31864): VDKREKKSLR[Trp31854Arg]TRVNKDYVVY